The following is an entry in ClinVar:

ClinVar aggregate classification (germline): Benign/Likely benign. Review status: criteria provided, multiple submitters, no conflicts (2 of 4 stars). 2 submissions from 2 submitters: Benign (1); Likely benign (1). Last evaluated 2025-02-19.

Conditions:
Amyotrophic lateral sclerosis type 21. Also called: VOCAL CORD AND PHARYNGEAL DYSFUNCTION WITH DISTAL MYOPATHY; MYOPATHY, DISTAL, 2. Identifiers: Orphanet 600, Orphanet 803, MedGen C3807521, MONDO:0011632, OMIM 606070.

Allele frequency attached by ClinVar (database versions not stated): gnomAD exomes 0.00001 and 0.00002; ExAC 0.00004; TOPMed 0.00005.
gnomAD v4.1: 16 of 1,613,814 alleles (0.00099%); highest among the groups gnomAD compares: Middle Eastern, 0.016%; no homozygotes.

Submissions (2):

Labcorp Genetics (formerly Invitae), Labcorp
Classification: Likely benign for Amyotrophic lateral sclerosis type 21. Last evaluated: 2025-02-19. Review status: criteria provided, single submitter. Criteria: Invitae Variant Classification Sherloc (09022015). Collection method: clinical testing. Allele origin: germline.

Illumina Laboratory Services, Illumina
Classification: Benign for Amyotrophic lateral sclerosis type 21. Last evaluated: 2018-01-12. Review status: criteria provided, single submitter. Criteria: ICSL Variant Classification Criteria 13 December 2019. Collection method: clinical testing. Allele origin: germline.
Comment: This variant was observed in the ICSL laboratory as part of a predisposition screen in an ostensibly healthy population. It had not been previously curated by ICSL or reported in the Human Gene Mutation Database (HGMD: prior to June 1st, 2018), and was therefore a candidate for classification through an automated scoring system. Utilizing variant allele frequency, disease prevalence and penetrance estimates, and inheritance mode, an automated score was calculated to assess if this variant is too frequent to cause the disease. Based on the score and internal cut-off values, a variant classified as benign is not then subjected to further curation. The score for this variant resulted in a classification of benign for this disease.

NM_018834.6(MATR3):c.69G>A (p.Ala23=)

Gene: MATR3 (matrin 3; plus strand). Cytogenetic location: 5q31.2.
Variant type: single nucleotide variant.
Coding change: c.69G>A on transcript NM_018834.6 (MANE Select); coding-DNA position 69, G replaced by A.
Protein change: p.Ala23=; no amino-acid change (alanine 23 retained).
Molecular consequence: synonymous variant. On other transcripts: intron variant (2).
Genome position (GRCh38, 1-based): chr5:139,307,484, G>A. VCF-style: chr5-139307484-G-A. GRCh37 (hg19) VCF-style: chr5-138643173-G-A.
Other names: c.69G>A, p.Ala23= (NM_001194954.2, NM_001194955.2, NM_199189.3); c.-102-7191G>A (NM_001282278.2); c.49-7191G>A (NM_001194956.2).
Identifiers: ClinVar variation 905261 (VCV000905261.9), dbSNP rs750693851, ClinGen allele CA3432869.